The following is an entry in ClinVar:

NM_030624.3(KLHL15):c.118del (p.His40fs)

Gene: KLHL15 (kelch like family member 15; minus strand). Cytogenetic location: Xp22.11.
Variant type: Deletion.
Coding change: c.118del on transcript NM_030624.3 (MANE Select); coding-DNA position 118, one base deleted (C; older notation c.118delC).
Protein change: p.His40fs; shifts the reading frame from histidine 40.
Molecular consequence: frameshift variant.
Genome position (GRCh38, 1-based): chrX:24,006,576, G deleted on the plus strand (C on the coding strand, the reverse complement: KLHL15 is on the minus strand). VCF-style (leftmost placement, unchanged base first): chrX-24006575-TG-T. GRCh37 (hg19) VCF-style: chrX-24024692-TG-T.
Other names: short protein forms H40fs.
Identifiers: ClinVar variation 4544423 (VCV004544423.1).

ClinVar aggregate classification (germline): Uncertain significance (1 of 4 stars; one submission).

Submission:

Ambry Genetics
Classification: Uncertain significance. Last evaluated: 2025-10-20. Review status: criteria provided, single submitter. Criteria: Ambry Variant Classification Scheme 2023. Collection method: clinical testing. Allele origin: germline.
Comment: The c.118delC (p.H40Ifs*25) alteration, located in exon 3 (coding exon 1) of the KLHL15 gene, consists of a deletion of one nucleotide at position 118, causing a translational frameshift with a predicted alternate stop codon after 25 amino acids. The predicted stop codon occurs in the 5&rsquo; end of the KLHL15 gene. Premature termination codons in the 5&rsquo; end of a gene have been reported to escape nonsense-mediated mRNA decay and/or lead to re-initiation (Rivas, 2015; Lindeboom, 2016; Rhee, 2017). The exact functional effect of this alteration is unknown. This variant was not reported in population-based cohorts in the Genome Aggregation Database (gnomAD). Based on insufficient or conflicting evidence, the clinical significance of this alteration remains unclear.

Literature cited by the submitters: PubMed 25954003; PubMed 27618451; PubMed 28490743.